The following is an entry in ClinVar:

NM_005045.4(RELN):c.179A>G (p.His60Arg)

Gene: RELN (reelin; minus strand). Cytogenetic location: 7q22.1.
Variant type: single nucleotide variant.
Coding change: c.179A>G on transcript NM_005045.4 (MANE Select); coding-DNA position 179, A replaced by G.
Protein change: p.His60Arg; replaces histidine 60 with arginine.
Molecular consequence: missense variant.
Genome position (GRCh38, 1-based): chr7:103,989,178, T>C on the plus strand (A>G on the coding strand, the complement: RELN is on the minus strand). VCF-style: chr7-103989178-T-C. GRCh37 (hg19) VCF-style: chr7-103629625-T-C.
Other names: c.179A>G, p.His60Arg (NM_173054.3); short protein forms H60R.
Identifiers: ClinVar variation 655927 (VCV000655927.1), dbSNP rs1584425634, ClinGen allele CA368931305.

ClinVar aggregate classification (germline): Uncertain significance (1 of 4 stars; one submission).

Conditions:
Familial temporal lobe epilepsy 7. Identifiers: Orphanet 101046, MedGen C4225327, MONDO:0014639, OMIM 616436.
Norman-Roberts syndrome (LIS2). Also called: Lissencephaly 2 (Norman-Roberts type). Identifiers: Orphanet 89844, MedGen C0796089, MONDO:0009760, OMIM 257320.

Allele frequency attached by ClinVar (database versions not stated): gnomAD 0.00001.
gnomAD v4.1: 2 of 1,614,052 alleles (0.00012%); highest among the groups gnomAD compares: Middle Eastern, 0.016%; no homozygotes.

Submission:

Labcorp Genetics (formerly Invitae), Labcorp
Classification: Uncertain significance for Epilepsy, familial temporal lobe, 7; Lissencephaly 2. Last evaluated: 2018-11-09. Review status: criteria provided, single submitter. Criteria: Invitae Variant Classification Sherloc (09022015). Collection method: clinical testing. Allele origin: germline.
Comment: This sequence change replaces histidine with arginine at codon 60 of the RELN protein (p.His60Arg). The histidine residue is weakly conserved and there is a small physicochemical difference between histidine and arginine. This variant is not present in population databases (ExAC no frequency). This variant has not been reported in the literature in individuals with RELN-related disease. Algorithms developed to predict the effect of missense changes on protein structure and function are either unavailable or do not agree on the potential impact of this missense change (SIFT: "Deleterious"; PolyPhen-2: "Benign"; Align-GVGD: "Class C0"). In summary, the available evidence is currently insufficient to determine the role of this variant in disease. Therefore, it has been classified as a Variant of Uncertain Significance.